The following is an entry in ClinVar:

ClinVar aggregate classification (germline): Uncertain significance (1 of 4 stars; one submission).

Allele frequency attached by ClinVar (database versions not stated): TOPMed 0.00001; gnomAD exomes 0.00002.

Submission:

Labcorp Genetics (formerly Invitae), Labcorp
Classification: Uncertain significance. Last evaluated: 2021-07-25. Review status: criteria provided, single submitter. Criteria: Invitae Variant Classification Sherloc (09022015). Collection method: clinical testing. Allele origin: germline.
Comment: This variant is present in population databases (rs201686818, ExAC 0.03%). This sequence change replaces glutamic acid with lysine at codon 316 of the C8B protein (p.Glu316Lys). The glutamic acid residue is highly conserved and there is a small physicochemical difference between glutamic acid and lysine. This variant has not been reported in the literature in individuals affected with C8B-related conditions. Algorithms developed to predict the effect of missense changes on protein structure and function are either unavailable or do not agree on the potential impact of this missense change (SIFT: "Deleterious"; PolyPhen-2: "Possibly Damaging"; Align-GVGD: "Class C0"). In summary, the available evidence is currently insufficient to determine the role of this variant in disease. Therefore, it has been classified as a Variant of Uncertain Significance.

NM_000066.4(C8B):c.946G>A (p.Glu316Lys)

Gene: C8B (complement C8 beta chain; minus strand). Cytogenetic location: 1p32.2.
Variant type: single nucleotide variant.
Coding change: c.946G>A on transcript NM_000066.4 (MANE Select); coding-DNA position 946, G replaced by A.
Protein change: p.Glu316Lys; replaces glutamic acid 316 with lysine.
Molecular consequence: missense variant.
Genome position (GRCh38, 1-based): chr1:56,945,980, C>T on the plus strand (G>A on the coding strand, the complement: C8B is on the minus strand). VCF-style: chr1-56945980-C-T. GRCh37 (hg19) VCF-style: chr1-57411653-C-T.
Other names: c.790G>A, p.Glu264Lys (NM_001278543.2); c.760G>A, p.Glu254Lys (NM_001278544.2); short protein forms E254K, E264K, E316K.
Identifiers: ClinVar variation 1388824 (VCV001388824.8), dbSNP rs201686818, ClinGen allele CA875801.